The following is an entry in ClinVar:

NM_001114753.3(ENG):c.781_782dup (p.Trp261fs)

Gene: ENG (endoglin; minus strand). Cytogenetic location: 9q34.11.
Variant type: Duplication.
Coding change: c.781_782dup on transcript NM_001114753.3 (MANE Select); coding-DNA positions 781 to 782, 2 bases duplicated (TG; older notation c.781_782dupTG).
Protein change: p.Trp261fs; shifts the reading frame from tryptophan 261.
Molecular consequence: frameshift variant.
Genome position (GRCh38, 1-based): chr9:127,825,265-127,825,266, CA duplicated on the plus strand (TG on the coding strand, the reverse complement: ENG is on the minus strand). VCF-style (leftmost placement, unchanged base first): chr9-127825264-C-CCA. GRCh37 (hg19) VCF-style: chr9-130587543-C-CCA.
Other names: p.Trp261Cysfs*99; c.781_782dup, p.Trp261Cysfs (NM_000118.4, NM_001406715.1); c.235_236dup, p.Trp79fs (NM_001278138.2); short protein forms W261fs, W79fs.
Identifiers: ClinVar variation 1343357 (VCV001343357.8), dbSNP rs2131887716, ClinGen allele CA2573053102.
Genomic context (GRCh38, chr9:127,825,264, plus strand): 5'-GTGTCCCGGGAGCTGCGCACAACTCACCCAGATCTGCATGTTGTGGTTGGCGTCGATGAG[C>CCA]CAGGACACGTAGGGGGGACCCTGCAGGATGAGGACGGCATCGAGATCCCCGGGTGCGCAG-3'

ClinVar aggregate classification (germline): Pathogenic. Review status: criteria provided, multiple submitters, no conflicts (2 of 4 stars). 2 submissions from 2 submitters: Pathogenic (2). Last evaluated 2024-09-18.

Conditions:
Hereditary hemorrhagic telangiectasia (HHT). Also called: ORW DISEASE; Osler Weber Rendu syndrome; OSLER-RENDU-WEBER DISEASE; Osler hemorrhagic telangiectasia syndrome. Identifiers: Orphanet 774, MedGen C0039445, MONDO:0019180. Disease mechanism: loss of function.

Submissions (2):

Labcorp Genetics (formerly Invitae), Labcorp
Classification: Pathogenic for Hereditary hemorrhagic telangiectasia. Last evaluated: 2024-09-18. Review status: criteria provided, single submitter. Criteria: Invitae Variant Classification Sherloc (09022015). Collection method: clinical testing. Allele origin: germline.
Comment: This sequence change creates a premature translational stop signal (p.Trp261Cysfs*99) in the ENG gene. It is expected to result in an absent or disrupted protein product. Loss-of-function variants in ENG are known to be pathogenic (PMID: 15879500). This variant is not present in population databases (gnomAD no frequency). This variant has not been reported in the literature in individuals affected with ENG-related conditions. ClinVar contains an entry for this variant (Variation ID: 1343357). For these reasons, this variant has been classified as Pathogenic.

Mayo Clinic Laboratories, Mayo Clinic
Classification: Pathogenic. Last evaluated: 2021-10-19. Review status: criteria provided, single submitter. Criteria: ACMG Guidelines, 2015. Collection method: clinical testing. Allele origin: germline.
Comment: PP4, PM2_supporting, PVS1

Literature cited by the submitters: PubMed 15879500 (cited by Labcorp Genetics (formerly Invitae), Labcorp).